The following is an entry in ClinVar:

NM_174936.4(PCSK9):c.199T>C (p.Cys67Arg)

Gene: PCSK9 (proprotein convertase subtilisin/kexin type 9; plus strand). Cytogenetic location: 1p32.3.
Variant type: single nucleotide variant.
Coding change: c.199T>C on transcript NM_174936.4 (MANE Select); coding-DNA position 199, T replaced by C.
Protein change: p.Cys67Arg; replaces cysteine 67 with arginine.
Molecular consequence: missense variant.
Genome position (GRCh38, 1-based): chr1:55,040,036, T>C. VCF-style: chr1-55040036-T-C. GRCh37 (hg19) VCF-style: chr1-55505709-T-C.
Other names: short protein forms C67R.
Identifiers: ClinVar variation 919442 (VCV000919442.8), dbSNP rs376619733, ClinGen allele CA340483242.

ClinVar aggregate classification (germline): Uncertain significance. Review status: criteria provided, multiple submitters, no conflicts (2 of 4 stars). 4 submissions from 4 submitters: Uncertain significance (4). Last evaluated 2024-10-21.

Conditions:
Cardiovascular phenotype. Identifiers: MedGen CN230736.
Familial hypercholesterolemia. Also called: Familial hypercholesterolemias; Familial hypercholesterolaemia. Identifiers: MedGen C0020445, MONDO:0005439.
Hypercholesterolemia, autosomal dominant, 3 (FHCL3). Also called: Familial hypercholesterolemia 3; Familial Hypercholesterolemia, Autosomal Dominant, 3; PCSK9-Related Familial Hypercholesterolemia, Autosomal Dominant. Identifiers: MedGen C1863551, MONDO:0011369, OMIM 603776.

gnomAD v4.1: 2 of 1,564,182 alleles (0.00013%); highest among the groups gnomAD compares: Non-Finnish European, 0.000087%; no homozygotes.

Submissions (4):

Ambry Genetics
Classification: Uncertain significance for Cardiovascular phenotype. Last evaluated: 2024-10-21. Review status: criteria provided, single submitter. Criteria: Ambry Variant Classification Scheme 2023. Collection method: clinical testing. Allele origin: germline.

Color Diagnostics, LLC DBA Color Health
Classification: Uncertain significance for Familial hypercholesterolemia. Last evaluated: 2024-03-07. Review status: criteria provided, single submitter. Criteria: ACMG Guidelines, 2015. Collection method: clinical testing. Allele origin: germline.
Comment: This missense variant replaces cysteine with arginine at codon 67 of the PCSK9 protein. Computational prediction suggests that this variant may not impact protein structure and function (internally defined REVEL score threshold <= 0.5, PMID: 27666373). To our knowledge, functional studies have not been reported for this variant. This variant has not been reported in individuals affected with PCSK9-related disorders in the literature. This variant has not been identified in the general population by the Genome Aggregation Database (gnomAD). The available evidence is insufficient to determine the role of this variant in disease conclusively. Therefore, this variant is classified as a Variant of Uncertain Significance.

All of Us Research Program, National Institutes of Health
Classification: Uncertain significance for Hypercholesterolemia, autosomal dominant, 3. Last evaluated: 2023-05-04. Review status: criteria provided, single submitter. Criteria: ACMG Guidelines, 2015. Collection method: clinical testing. Allele origin: germline. Inheritance: Autosomal dominant inheritance. Observed: 1 variant allele, 1 heterozygote.
Comment: This missense variant replaces cysteine with arginine at codon 67 of the PCSK9 protein. Computational prediction suggests that this variant may not impact protein structure and function (internally defined REVEL score threshold <= 0.5, PMID: 27666373). To our knowledge, functional studies have not been reported for this variant. This variant has not been reported in individuals affected with familial hypercholesterolemia in the literature. This variant has not been identified in the general population by the Genome Aggregation Database (gnomAD). The available evidence is insufficient to determine the role of this variant in disease conclusively. Therefore, this variant is classified as a Variant of Uncertain Significance.

This study involves interpretation of variants in research participants for the purpose of population health screening. Participant phenotype was not available at the time of variant classification. Additional details can be found in publication PMID: 35346344, PMCID: PMC8962531

Fulgent Genetics
Classification: Uncertain significance for Hypercholesterolemia, autosomal dominant, 3. Last evaluated: 2021-10-29. Review status: criteria provided, single submitter. Criteria: ACMG Guidelines, 2015. Collection method: clinical testing. Allele origin: unknown.